The following is an entry in ClinVar:

NM_018230.3(NUP133):c.1231A>C (p.Asn411His)

Gene: NUP133 (nucleoporin 133; minus strand). Cytogenetic location: 1q42.13.
Variant type: single nucleotide variant.
Coding change: c.1231A>C on transcript NM_018230.3 (MANE Select); coding-DNA position 1231, A replaced by C.
Protein change: p.Asn411His; replaces asparagine 411 with histidine.
Molecular consequence: missense variant.
Genome position (GRCh38, 1-based): chr1:229,487,577, T>G on the plus strand (A>C on the coding strand, the complement: NUP133 is on the minus strand). VCF-style: chr1-229487577-T-G. GRCh37 (hg19) VCF-style: chr1-229623324-T-G.
Other names: short protein forms N411H.
Identifiers: ClinVar variation 3653392 (VCV003653392.2).

ClinVar aggregate classification (germline): Uncertain significance (1 of 4 stars; one submission).

Submission:

Labcorp Genetics (formerly Invitae), Labcorp
Classification: Uncertain significance. Last evaluated: 2024-05-28. Review status: criteria provided, single submitter. Criteria: Invitae Variant Classification Sherloc (09022015). Collection method: clinical testing. Allele origin: germline.
Comment: This sequence change replaces asparagine, which is neutral and polar, with histidine, which is basic and polar, at codon 411 of the NUP133 protein (p.Asn411His). This variant is not present in population databases (gnomAD no frequency). This variant has not been reported in the literature in individuals affected with NUP133-related conditions. An algorithm developed to predict the effect of missense changes on protein structure and function (PolyPhen-2) suggests that this variant is likely to be tolerated. In summary, the available evidence is currently insufficient to determine the role of this variant in disease. Therefore, it has been classified as a Variant of Uncertain Significance.